The following is an entry in ClinVar:

NM_000264.5(PTCH1):c.1262C>T (p.Ser421Phe)

Gene: PTCH1 (patched 1; minus strand). Cytogenetic location: 9q22.32.
Variant type: single nucleotide variant.
Coding change: c.1262C>T on transcript NM_000264.5 (MANE Select); coding-DNA position 1262, C replaced by T.
Protein change: p.Ser421Phe; replaces serine 421 with phenylalanine.
Molecular consequence: missense variant. On other transcripts: non-coding transcript variant (1).
Genome position (GRCh38, 1-based): chr9:95,478,140, G>A on the plus strand (C>T on the coding strand, the complement: PTCH1 is on the minus strand). VCF-style: chr9-95478140-G-A. GRCh37 (hg19) VCF-style: chr9-98240422-G-A.
Other names: c.1064C>T, p.Ser355Phe (NM_001083602.3); c.1259C>T, p.Ser420Phe (NM_001083603.3); c.809C>T, p.Ser270Phe (NM_001083604.3, NM_001083605.3, NM_001083606.3 and 1 more transcripts); c.1262C>T, p.Ser421Phe (NM_001354918.2); short protein forms S421F, S355F, S420F, S270F.
Identifiers: ClinVar variation 453778 (VCV000453778.13), dbSNP rs1285775586, ClinGen allele CA374118874.

ClinVar aggregate classification (germline): Uncertain significance. Review status: criteria provided, multiple submitters, no conflicts (2 of 4 stars). 4 submissions from 4 submitters: Uncertain significance (4). Last evaluated 2025-10-13.

Conditions:
Hereditary cancer-predisposing syndrome. Also called: Neoplastic Syndromes, Hereditary; Hereditary Cancer Syndrome; Hereditary neoplastic syndrome; Tumor predisposition. Identifiers: Orphanet 140162, MedGen C0027672, MeSH D009386, MONDO:0015356.
Gorlin syndrome. Also called: Nevoid Basal Cell Carcinoma Syndrome; Basal cell nevus syndrome. Identifiers: Orphanet 377, MedGen C0004779, MONDO:0007187.

gnomAD v4.1: 3 of 1,614,190 alleles (0.00019%); highest among the groups gnomAD compares: Non-Finnish European, 0.00025%; no homozygotes.

Submissions (4):

Labcorp Genetics (formerly Invitae), Labcorp
Classification: Uncertain significance for Gorlin syndrome. Last evaluated: 2025-10-13. Review status: criteria provided, single submitter. Criteria: Invitae Variant Classification Sherloc (09022015). Collection method: clinical testing. Allele origin: germline.
Comment: This sequence change replaces serine, which is neutral and polar, with phenylalanine, which is neutral and non-polar, at codon 421 of the PTCH1 protein (p.Ser421Phe). This variant is not present in population databases (gnomAD no frequency). This variant has not been reported in the literature in individuals affected with PTCH1-related conditions. ClinVar contains an entry for this variant (Variation ID: 453778). Invitae Evidence Modeling of protein sequence and biophysical properties (such as structural, functional, and spatial information, amino acid conservation, physicochemical variation, residue mobility, and thermodynamic stability) has been performed for this missense variant. However, the output from this modeling did not meet the statistical confidence thresholds required to predict the impact of this variant on PTCH1 protein function. In summary, the available evidence is currently insufficient to determine the role of this variant in disease. Therefore, it has been classified as a Variant of Uncertain Significance.

Blueprint Genetics
Classification: Uncertain significance. Last evaluated: 2024-09-02. Review status: criteria provided, single submitter. Criteria: ACMG Guidelines, 2015. Collection method: clinical testing. Allele origin: germline.

Ambry Genetics
Classification: Uncertain significance for Hereditary cancer-predisposing syndrome. Last evaluated: 2024-01-24. Review status: criteria provided, single submitter. Criteria: Ambry Variant Classification Scheme 2023. Collection method: clinical testing. Allele origin: germline.
Comment: The p.S421F variant (also known as c.1262C>T), located in coding exon 9 of the PTCH1 gene, results from a C to T substitution at nucleotide position 1262. The serine at codon 421 is replaced by phenylalanine, an amino acid with highly dissimilar properties. This amino acid position is well conserved in available vertebrate species. In addition, the in silico prediction for this alteration is inconclusive. Based on the available evidence, the clinical significance of this alteration remains unclear.

Sema4
Classification: Uncertain significance for Hereditary cancer-predisposing syndrome. Last evaluated: 2021-09-16. Review status: criteria provided, single submitter. Criteria: Sema4 Curation Guidelines. Collection method: curation. Allele origin: germline.
Comment: The PTCH1 c.1262C>T (p.S421F) variant has not been reported in the literature to our knowledge. It was not observed in the large and broad cohorts of the Genome Aggregation Database, but has been reported in ClinVar (Variation ID: 453778). Functional studies have not been performed, and in silico predictions of the variant's effect on protein function are inconclusive. The evidence is insufficient to meet ACMG/AMP criteria for classifying the variant as benign or pathogenic. Thus, the clinical significance of this variant is currently uncertain.